The following is an entry in ClinVar:

NM_001382430.1(AKT1):c.1351C>G (p.Pro451Ala)

Gene: AKT1 (AKT serine/threonine kinase 1; minus strand). Cytogenetic location: 14q32.33.
Variant type: single nucleotide variant.
Coding change: c.1351C>G on transcript NM_001382430.1 (MANE Select); coding-DNA position 1351, C replaced by G.
Protein change: p.Pro451Ala; replaces proline 451 with alanine.
Molecular consequence: missense variant.
Genome position (GRCh38, 1-based): chr14:104,770,757, G>C on the plus strand (C>G on the coding strand, the complement: AKT1 is on the minus strand). VCF-style: chr14-104770757-G-C. GRCh37 (hg19) VCF-style: chr14-105237094-G-C.
Other names: c.1351C>G, p.Pro451Ala (NM_001014431.2, NM_001014432.2, NM_001382431.1 and 3 more transcripts); short protein forms P451A.
Identifiers: ClinVar variation 1770612 (VCV001770612.2), dbSNP rs1892340313, ClinGen allele CA391214411.

ClinVar aggregate classification (germline): Uncertain significance (1 of 4 stars; one submission).

Conditions:
Inborn genetic diseases. Identifiers: MedGen C0950123, MeSH D030342.

Submission:

Ambry Genetics
Classification: Uncertain significance for Inborn genetic diseases. Last evaluated: 2022-07-17. Review status: criteria provided, single submitter. Criteria: Ambry Variant Classification Scheme 2023. Collection method: clinical testing. Allele origin: germline.
Comment: The p.P451A variant (also known as c.1351C>G), located in coding exon 12 of the AKT1 gene, results from a C to G substitution at nucleotide position 1351. The proline at codon 451 is replaced by alanine, an amino acid with highly similar properties. This amino acid position is conserved. In addition, the in silico prediction for this alteration is inconclusive. Since supporting evidence is limited at this time, the clinical significance of this alteration remains unclear.